The following is an entry in ClinVar:

NM_006509.4(RELB):c.140T>C (p.Val47Ala)

Gene: RELB (RELB proto-oncogene, NF-kB subunit; plus strand). Cytogenetic location: 19q13.32.
Variant type: single nucleotide variant.
Coding change: c.140T>C on transcript NM_006509.4 (MANE Select); coding-DNA position 140, T replaced by C.
Protein change: p.Val47Ala; replaces valine 47 with alanine.
Molecular consequence: missense variant.
Genome position (GRCh38, 1-based): chr19:45,002,982, T>C. VCF-style: chr19-45002982-T-C. GRCh37 (hg19) VCF-style: chr19-45506240-T-C.
Other names: c.140T>C, p.Val47Ala (NM_001411087.1); short protein forms V47A.
Identifiers: ClinVar variation 2957834 (VCV002957834.3), dbSNP rs774030958, ClinGen allele CA9507438.
Genomic context (GRCh38, chr19:45,002,982, plus strand): 5'-TCCTGAGACGTTTCTCCTTCTCTGCAGGGTCCCCCGACCTCTCCTCACTCTCGCTCGCCG[T>C]TTCCAGGAGCACAGGTGAGCAGCCCTCCACAGTTCCTGCCCACTCGCTCATGCAGGATGA-3'
Protein context (NP_006500.2, residues 37-57): SPDLSSLSLA[Val47Ala]SRSTDELEII

ClinVar aggregate classification (germline): Uncertain significance (1 of 4 stars; one submission).

Allele frequency attached by ClinVar (database versions not stated): ExAC 0.00001; gnomAD 0.00001; TOPMed 0.00001; gnomAD exomes 0.00002.
gnomAD v4.1: 24 of 1,613,246 alleles (0.0015%); highest among the groups gnomAD compares: Non-Finnish European, 0.0019%; no homozygotes.

Submission:

Labcorp Genetics (formerly Invitae), Labcorp
Classification: Uncertain significance. Last evaluated: 2024-05-17. Review status: criteria provided, single submitter. Criteria: Invitae Variant Classification Sherloc (09022015). Collection method: clinical testing. Allele origin: germline.
Comment: This sequence change replaces valine, which is neutral and non-polar, with alanine, which is neutral and non-polar, at codon 47 of the RELB protein (p.Val47Ala). The frequency data for this variant in the population databases is considered unreliable, as metrics indicate poor data quality at this position in the gnomAD database. This variant has not been reported in the literature in individuals affected with RELB-related conditions. An algorithm developed to predict the effect of missense changes on protein structure and function (PolyPhen-2) suggests that this variant is likely to be tolerated. In summary, the available evidence is currently insufficient to determine the role of this variant in disease. Therefore, it has been classified as a Variant of Uncertain Significance.